The following is an entry in ClinVar:

NM_138387.4(G6PC3):c.655A>G (p.Thr219Ala)

Gene: G6PC3 (glucose-6-phosphatase catalytic subunit 3; plus strand). Cytogenetic location: 17q21.31.
Variant type: single nucleotide variant.
Coding change: c.655A>G on transcript NM_138387.4 (MANE Select); coding-DNA position 655, A replaced by G.
Protein change: p.Thr219Ala; replaces threonine 219 with alanine.
Molecular consequence: missense variant.
Genome position (GRCh38, 1-based): chr17:44,075,429, A>G. VCF-style: chr17-44075429-A-G. GRCh37 (hg19) VCF-style: chr17-42152797-A-G.
Other names: c.536A>G, p.Tyr179Cys (NM_001319945.2); c.310A>G, p.Thr104Ala (NM_001384165.1, NM_001384166.1, NM_001384167.1 and 1 more transcripts); short protein forms T219A, T104A, Y179C.
Identifiers: ClinVar variation 4620493 (VCV004620493.1).

ClinVar aggregate classification (germline): Uncertain significance (1 of 4 stars; one submission).

Conditions:
Inborn genetic diseases. Identifiers: MedGen C0950123, MeSH D030342.

Submission:

Ambry Genetics
Classification: Uncertain significance for Inborn genetic diseases. Last evaluated: 2025-10-10. Review status: criteria provided, single submitter. Criteria: Ambry Variant Classification Scheme 2023. Collection method: clinical testing. Allele origin: germline.
Comment: The p.T219A variant (also known as c.655A>G), located in coding exon 5 of the G6PC3 gene, results from an A to G substitution at nucleotide position 655. The threonine at codon 219 is replaced by alanine, an amino acid with similar properties. This amino acid position is conserved. In addition, this alteration is predicted to be tolerated by in silico analysis. Based on the available evidence, the clinical significance of this variant remains unclear.